The following is an entry in ClinVar:

NM_020338.4(ZMIZ1):c.2575A>G (p.Met859Val)

Gene: ZMIZ1 (zinc finger MIZ-type containing 1; plus strand). Cytogenetic location: 10q22.3.
Variant type: single nucleotide variant.
Coding change: c.2575A>G on transcript NM_020338.4 (MANE Select); coding-DNA position 2575, A replaced by G.
Protein change: p.Met859Val; replaces methionine 859 with valine.
Molecular consequence: missense variant.
Genome position (GRCh38, 1-based): chr10:79,306,251, A>G. VCF-style: chr10-79306251-A-G. GRCh37 (hg19) VCF-style: chr10-81066008-A-G.
Other names: short protein forms M859V.
Identifiers: ClinVar variation 2228044 (VCV002228044.5), dbSNP rs745738592, ClinGen allele CA5573055.
Genomic context (GRCh38, chr10:79,306,251, plus strand): 5'-GGCATCCCCTCCAAGCGGTTCAAGACCATGAGTCCCAGCCAGATGATCATGCCCAATGTC[A>G]TGGAGATGATCGCAGCCCTGGGCCCCGGCCCGTCCCCCTATCCCCTCCCGCCTCCCCCAG-3'
Protein context (NP_065071.1, residues 849-869): SPSQMIMPNV[Met859Val]EMIAALGPGP

ClinVar aggregate classification (germline): Uncertain significance. Review status: criteria provided, multiple submitters, no conflicts (2 of 4 stars). 2 submissions from 2 submitters: Uncertain significance (2). Last evaluated 2024-10-14.

Conditions:
Inborn genetic diseases. Identifiers: MedGen C0950123, MeSH D030342.

Allele frequency attached by ClinVar (database versions not stated): gnomAD exomes below 0.00001; ExAC 0.00001; gnomAD 0.00003; TOPMed 0.00006.
gnomAD v4.1: 11 of 1,613,990 alleles (0.00068%); highest among the groups gnomAD compares: Middle Eastern, 0.016%; no homozygotes.

Submissions (2):

Labcorp Genetics (formerly Invitae), Labcorp
Classification: Uncertain significance. Last evaluated: 2024-10-14. Review status: criteria provided, single submitter. Criteria: Invitae Variant Classification Sherloc (09022015). Collection method: clinical testing. Allele origin: germline.
Comment: This sequence change replaces methionine, which is neutral and non-polar, with valine, which is neutral and non-polar, at codon 859 of the ZMIZ1 protein (p.Met859Val). This variant is present in population databases (rs745738592, gnomAD 0.006%). This variant has not been reported in the literature in individuals affected with ZMIZ1-related conditions. ClinVar contains an entry for this variant (Variation ID: 2228044). Invitae Evidence Modeling of protein sequence and biophysical properties (such as structural, functional, and spatial information, amino acid conservation, physicochemical variation, residue mobility, and thermodynamic stability) indicates that this missense variant is not expected to disrupt ZMIZ1 protein function with a negative predictive value of 95%. In summary, the available evidence is currently insufficient to determine the role of this variant in disease. Therefore, it has been classified as a Variant of Uncertain Significance.

Ambry Genetics
Classification: Uncertain significance for Inborn genetic diseases. Last evaluated: 2020-11-19. Review status: criteria provided, single submitter. Criteria: Ambry Variant Classification Scheme 2023. Collection method: clinical testing. Allele origin: germline.
Comment: The c.2575A>G (p.M859V) alteration is located in exon 22 (coding exon 18) of the ZMIZ1 gene. This alteration results from a A to G substitution at nucleotide position 2575, causing the methionine (M) at amino acid position 859 to be replaced by a valine (V). The p.M859V alteration is predicted to be tolerated by in silico analysis. Based on insufficient or conflicting evidence, the clinical significance of this alteration remains unclear.